The following is an entry in ClinVar:

NM_205836.3(FBXO38):c.1800T>A (p.Ser600Arg)

Gene: FBXO38 (F-box protein 38; plus strand). Cytogenetic location: 5q32.
Variant type: single nucleotide variant.
Coding change: c.1800T>A on transcript NM_205836.3 (MANE Select); coding-DNA position 1800, T replaced by A.
Protein change: p.Ser600Arg; replaces serine 600 with arginine.
Molecular consequence: missense variant.
Genome position (GRCh38, 1-based): chr5:148,425,583, T>A. VCF-style: chr5-148425583-T-A. GRCh37 (hg19) VCF-style: chr5-147805146-T-A.
Other names: c.1800T>A, p.Ser600Arg (NM_001271723.2, NM_030793.5); short protein forms S600R.
Identifiers: ClinVar variation 3657317 (VCV003657317.2).

ClinVar aggregate classification (germline): Uncertain significance (1 of 4 stars; one submission).

Conditions:
Distal hereditary motor neuropathy type 2. Identifiers: Orphanet 139525, MedGen C3711384, MeSH C580044, MONDO:0015352.

Submission:

Labcorp Genetics (formerly Invitae), Labcorp
Classification: Uncertain significance for Distal hereditary motor neuropathy type 2. Last evaluated: 2024-06-28. Review status: criteria provided, single submitter. Criteria: Invitae Variant Classification Sherloc (09022015). Collection method: clinical testing. Allele origin: germline.
Comment: This sequence change replaces serine, which is neutral and polar, with arginine, which is basic and polar, at codon 600 of the FBXO38 protein (p.Ser600Arg). This variant is not present in population databases (gnomAD no frequency). This variant has not been reported in the literature in individuals affected with FBXO38-related conditions. Advanced modeling of protein sequence and biophysical properties (such as structural, functional, and spatial information, amino acid conservation, physicochemical variation, residue mobility, and thermodynamic stability) performed at Invitae indicates that this missense variant is not expected to disrupt FBXO38 protein function with a negative predictive value of 80%. In summary, the available evidence is currently insufficient to determine the role of this variant in disease. Therefore, it has been classified as a Variant of Uncertain Significance.